The following is an entry in ClinVar:

ClinVar aggregate classification (germline): Uncertain significance (1 of 4 stars; one submission).

gnomAD v4.1: 7 of 1,605,970 alleles (0.00044%); highest among the groups gnomAD compares: African/African-American, 0.0067%; no homozygotes.

Submission:

Women's Health and Genetics/Laboratory Corporation of America, LabCorp
Classification: Uncertain significance. Last evaluated: 2026-01-28. Review status: criteria provided, single submitter. Criteria: LabCorp Variant Classification Summary - May 2015. Collection method: clinical testing. Allele origin: germline.
Comment: Variant summary: PKD1 c.1310A>G (p.Gln437Arg) results in a conservative amino acid change in the encoded protein sequence. Algorithms developed to predict the effect of missense changes on protein structure and function all suggest that this variant is likely to be tolerated. The frequency data for this variant in gnomAD is considered unreliable, as metrics indicate poor data quality at this position. To our knowledge, no occurrence of c.1310A>G in individuals affected with PKD1-related conditions and no experimental evidence demonstrating its impact on protein function have been reported. ClinVar contains an entry for this variant (Variation ID: 3907275). Based on the evidence outlined above, the variant was classified as uncertain significance.

NM_001009944.3(PKD1):c.1310A>G (p.Gln437Arg)

Gene: PKD1 (polycystin 1, transient receptor potential channel interacting; minus strand). Cytogenetic location: 16p13.3.
Variant type: single nucleotide variant.
Coding change: c.1310A>G on transcript NM_001009944.3 (MANE Select); coding-DNA position 1310, A replaced by G.
Protein change: p.Gln437Arg; replaces glutamine 437 with arginine.
Molecular consequence: missense variant.
Genome position (GRCh38, 1-based): chr16:2,117,564, T>C on the plus strand (A>G on the coding strand, the complement: PKD1 is on the minus strand). VCF-style: chr16-2117564-T-C. GRCh37 (hg19) VCF-style: chr16-2167565-T-C.
Other names: c.1310A>G, p.Gln437Arg (NM_000296.4); short protein forms Q437R.
Identifiers: ClinVar variation 3907275 (VCV003907275.3).
Genomic context (GRCh38, chr16:2,117,564, plus strand): 5'-ACCAGGAAGCGCTGCACGGCGGGACTGTCCACCATTGCCAGGGCGGCCCCGGCCCAGGCC[T>C]GACACTGCTCCTGCGCCTGCAGCCAGGCCGCCTTCTCCACCACCAGGCGGTAGCAGTGCC-3'
Protein context (NP_001009944.3, residues 427-447): AAWLQAQEQC[Gln437Arg]AWAGAALAMV